The following is an entry in ClinVar:

ClinVar aggregate classification (germline): Uncertain significance (1 of 4 stars; one submission).

Conditions:
Hereditary breast ovarian cancer syndrome. Also called: Hereditary breast and ovarian cancer syndrome; Hereditary breast and ovarian cancer syndrome (HBOC); BRCA1- and BRCA2-Associated Hereditary Breast and Ovarian Cancer; Hereditary breast and ovarian cancer; Breast and ovarian cancer; Hereditary breast and/or ovarian cancer syndrome. Identifiers: Orphanet 145, MedGen C0677776, MeSH D061325, MONDO:0003582. Disease mechanism: loss of function.

Submission:

Labcorp Genetics (formerly Invitae), Labcorp
Classification: Uncertain significance for Hereditary breast ovarian cancer syndrome. Last evaluated: 2025-01-26. Review status: criteria provided, single submitter. Criteria: Invitae Variant Classification Sherloc (09022015). Collection method: clinical testing. Allele origin: germline.
Comment: This sequence change replaces proline, which is neutral and non-polar, with leucine, which is neutral and non-polar, at codon 3129 of the BRCA2 protein (p.Pro3129Leu). This variant is not present in population databases (gnomAD no frequency). This variant has not been reported in the literature in individuals affected with BRCA2-related conditions. Invitae Evidence Modeling of protein sequence and biophysical properties (such as structural, functional, and spatial information, amino acid conservation, physicochemical variation, residue mobility, and thermodynamic stability) indicates that this missense variant is not expected to disrupt BRCA2 protein function with a negative predictive value of 95%. In summary, the available evidence is currently insufficient to determine the role of this variant in disease. Therefore, it has been classified as a Variant of Uncertain Significance.

NM_000059.4(BRCA2):c.9386C>T (p.Pro3129Leu)

Gene: BRCA2 (BRCA2 DNA repair associated; plus strand). Cytogenetic location: 13q13.1.
Variant type: single nucleotide variant.
Coding change: c.9386C>T on transcript NM_000059.4 (MANE Select); coding-DNA position 9386, C replaced by T.
Protein change: p.Pro3129Leu; replaces proline 3129 with leucine.
Molecular consequence: missense variant. On other transcripts: non-coding transcript variant (1).
Genome position (GRCh38, 1-based): chr13:32,394,818, C>T. VCF-style: chr13-32394818-C-T. GRCh37 (hg19) VCF-style: chr13-32968955-C-T.
Other names: c.9290C>T, p.Pro3097Leu (NM_001406719.1); c.9335C>T, p.Pro3112Leu (NM_001406720.1); c.4454C>T, p.Pro1485Leu (NM_001406721.1); c.2969C>T, p.Pro990Leu (NM_001406722.1); c.9386C>T, p.Pro3129Leu (NM_001432077.1); short protein forms P1485L, P990L, P3097L, P3112L, P3129L.
Identifiers: ClinVar variation 3636563 (VCV003636563.2).
Genomic context (GRCh38, chr13:32,394,818, plus strand): 5'-TTAATGAGGACATTATTAAGCCTCATATGTTAATTGCTGCAAGCAACCTCCAGTGGCGAC[C>T]AGAATCCAAATCAGGCCTTCTTACTTTATTTGCTGGAGATTTTTCTGTGTTTTCTGCTAG-3'
Protein context (NP_000050.3, residues 3119-3139): LIAASNLQWR[Pro3129Leu]ESKSGLLTLF